The following is an entry in ClinVar:

ClinVar aggregate classification (germline): Uncertain significance. Review status: criteria provided, multiple submitters, no conflicts (2 of 4 stars). 2 submissions from 2 submitters: Uncertain significance (2). Last evaluated 2023-07-31.

Conditions:
Cardiomyopathy (CMYO). Also called: Cardiomyopathies. Identifiers: Orphanet 167848, MedGen C0878544, MONDO:0004994, HP:0001638. Inheritance: Various modes of inheritance.
Hypertrophic cardiomyopathy. Also called: HYPERTROPHIC MYOCARDIOPATHY. Identifiers: Orphanet 217569, MedGen C0007194, MeSH D002312, MONDO:0005045, HP:0001639.

Allele frequency attached by ClinVar (database versions not stated): gnomAD exomes below 0.00001.
gnomAD v4.1: 1 of 1,611,056 alleles (0.000062%); highest among the groups gnomAD compares: Non-Finnish European, 0.000085%; no homozygotes.

Submissions (2):

Labcorp Genetics (formerly Invitae), Labcorp
Classification: Uncertain significance for Hypertrophic cardiomyopathy. Last evaluated: 2023-07-31. Review status: criteria provided, single submitter. Criteria: Invitae Variant Classification Sherloc (09022015). Collection method: clinical testing. Allele origin: germline.
Comment: This sequence change replaces proline, which is neutral and non-polar, with leucine, which is neutral and non-polar, at codon 1169 of the MYBPC3 protein (p.Pro1169Leu). This variant is not present in population databases (gnomAD no frequency). ClinVar contains an entry for this variant (Variation ID: 926708). This variant has not been reported in the literature in individuals affected with MYBPC3-related conditions. In summary, the available evidence is currently insufficient to determine the role of this variant in disease. Therefore, it has been classified as a Variant of Uncertain Significance. Algorithms developed to predict the effect of missense changes on protein structure and function output the following: SIFT: "Not Available"; PolyPhen-2: "Benign"; Align-GVGD: "Not Available". The leucine amino acid residue is found in multiple mammalian species, which suggests that this missense change does not adversely affect protein function.

Color Diagnostics, LLC DBA Color Health
Classification: Uncertain significance for Cardiomyopathy. Last evaluated: 2018-11-19. Review status: criteria provided, single submitter. Criteria: ACMG Guidelines, 2015. Collection method: clinical testing. Allele origin: germline.

NM_000256.3(MYBPC3):c.3506C>T (p.Pro1169Leu)

Gene: MYBPC3 (myosin binding protein C3; minus strand). Cytogenetic location: 11p11.2.
Variant type: single nucleotide variant.
Coding change: c.3506C>T on transcript NM_000256.3 (MANE Select); coding-DNA position 3506, C replaced by T.
Protein change: p.Pro1169Leu; replaces proline 1169 with leucine.
Molecular consequence: missense variant.
Genome position (GRCh38, 1-based): chr11:47,332,687, G>A on the plus strand (C>T on the coding strand, the complement: MYBPC3 is on the minus strand). VCF-style: chr11-47332687-G-A. GRCh37 (hg19) VCF-style: chr11-47354238-G-A.
Other names: short protein forms P1169L.
Identifiers: ClinVar variation 926708 (VCV000926708.5), dbSNP rs2095878381, ClinGen allele CA380312851.